The following is an entry in ClinVar:

NM_001211.6(BUB1B):c.2624A>G (p.Lys875Arg)

Gene: BUB1B (BUB1 mitotic checkpoint serine/threonine kinase B; plus strand). Cytogenetic location: 15q15.1.
Variant type: single nucleotide variant.
Coding change: c.2624A>G on transcript NM_001211.6 (MANE Select); coding-DNA position 2624, A replaced by G.
Protein change: p.Lys875Arg; replaces lysine 875 with arginine.
Molecular consequence: missense variant.
Genome position (GRCh38, 1-based): chr15:40,213,420, A>G. VCF-style: chr15-40213420-A-G. GRCh37 (hg19) VCF-style: chr15-40505621-A-G.
Other names: short protein forms K875R.
Identifiers: ClinVar variation 2450815 (VCV002450815.2), dbSNP rs2542577060, ClinGen allele CA391686353.

ClinVar aggregate classification (germline): Uncertain significance (1 of 4 stars; one submission).

Conditions:
Inborn genetic diseases. Identifiers: MedGen C0950123, MeSH D030342.

Allele frequency attached by ClinVar (database versions not stated): gnomAD exomes below 0.00001.
gnomAD v4.1: 2 of 1,614,212 alleles (0.00012%); highest among the groups gnomAD compares: Non-Finnish European, 0.00017%; no homozygotes.

Submission:

Ambry Genetics
Classification: Uncertain significance for Inborn genetic diseases. Last evaluated: 2022-12-14. Review status: criteria provided, single submitter. Criteria: Ambry Variant Classification Scheme 2023. Collection method: clinical testing. Allele origin: germline.
Comment: The p.K875R variant (also known as c.2624A>G), located in coding exon 20 of the BUB1B gene, results from an A to G substitution at nucleotide position 2624. The lysine at codon 875 is replaced by arginine, an amino acid with highly similar properties. This amino acid position is conserved. In addition, this alteration is predicted to be tolerated by in silico analysis. Since supporting evidence is limited at this time, the clinical significance of this alteration remains unclear.